The following is an entry in ClinVar:

ClinVar aggregate classification (germline): Likely benign. Review status: criteria provided, multiple submitters, no conflicts (2 of 4 stars). 2 submissions from 2 submitters: Likely benign (2). Last evaluated 2025-02-04.

Allele frequency attached by ClinVar (database versions not stated): ExAC 0.00001; gnomAD 0.00001; gnomAD exomes 0.00001; TOPMed 0.00002.
gnomAD v4.1: 17 of 1,614,008 alleles (0.0011%); highest among the groups gnomAD compares: Admixed American, 0.0033%; no homozygotes.

Submissions (2):

Labcorp Genetics (formerly Invitae), Labcorp
Classification: Likely benign. Last evaluated: 2025-02-04. Review status: criteria provided, single submitter. Criteria: Invitae Variant Classification Sherloc (09022015). Collection method: clinical testing. Allele origin: germline.

CeGaT Center for Human Genetics Tuebingen
Classification: Likely benign. Last evaluated: 2022-10-01. Review status: criteria provided, single submitter. Criteria: CeGaT Center For Human Genetics Tuebingen Variant Classification Criteria Version 2. Collection method: clinical testing. Allele origin: germline. Affected: yes. Observed: 1 variant allele.
Comment: MTOR: BP4, BP7

NM_004958.4(MTOR):c.3855A>G (p.Arg1285=)

Gene: MTOR (mechanistic target of rapamycin kinase; minus strand). Cytogenetic location: 1p36.22.
Variant type: single nucleotide variant.
Coding change: c.3855A>G on transcript NM_004958.4 (MANE Select); coding-DNA position 3855, A replaced by G.
Protein change: p.Arg1285=; no amino-acid change (arginine 1285 retained).
Molecular consequence: synonymous variant.
Genome position (GRCh38, 1-based): chr1:11,204,650, T>C on the plus strand (A>G on the coding strand, the complement: MTOR is on the minus strand). VCF-style: chr1-11204650-T-C. GRCh37 (hg19) VCF-style: chr1-11264707-T-C.
Other names: c.3855A>G, p.Arg1285= (NM_001386500.1); c.2607A>G, p.Arg869= (NM_001386501.1).
Identifiers: ClinVar variation 1102961 (VCV001102961.32), dbSNP rs759585316, ClinGen allele CA590103.